The following is an entry in ClinVar:

NM_016734.3(PAX5):c.659T>C (p.Leu220Pro)

Gene: PAX5 (paired box 5; minus strand). Cytogenetic location: 9p13.2.
Variant type: single nucleotide variant.
Coding change: c.659T>C on transcript NM_016734.3 (MANE Select); coding-DNA position 659, T replaced by C.
Protein change: p.Leu220Pro; replaces leucine 220 with proline.
Molecular consequence: missense variant. On other transcripts: non-coding transcript variant (2).
Genome position (GRCh38, 1-based): chr9:36,966,670, A>G on the plus strand (T>C on the coding strand, the complement: PAX5 is on the minus strand). VCF-style: chr9-36966670-A-G. GRCh37 (hg19) VCF-style: chr9-36966667-A-G.
Other names: c.659T>C, p.Leu220Pro (NM_001280547.2, NM_001280548.2, NM_001280549.2 and 2 more transcripts); c.335T>C, p.Leu112Pro (NM_001280551.2, NM_001280556.2); c.530T>C, p.Leu177Pro (NM_001280553.2, NM_001280554.2); c.461T>C, p.Leu154Pro (NM_001280555.2); short protein forms L112P, L177P, L220P, L154P.
Identifiers: ClinVar variation 2332680 (VCV002332680.3), dbSNP rs1834465587, ClinGen allele CA373486849.
Genomic context (GRCh38, chr9:36,966,670, plus strand): 5'-ACGCGGTCCAGCACCTCCAGCTGCTGCTGTGTGAACAAGTCTCCCCGCATCTGCTTCCGG[A>G]GGAAGTCTCTGCCCGGAAGCGAGTGGCCGTTCGGCACCGGAGACTCCTGAATACCTTTGA-3'
Protein context (NP_057953.1, residues 210-230): NGHSLPGRDF[Leu220Pro]RKQMRGDLFT

ClinVar aggregate classification (germline): Uncertain significance (1 of 4 stars; one submission).

Conditions:
Inborn genetic diseases. Identifiers: MedGen C0950123, MeSH D030342.

Allele frequency attached by ClinVar (database versions not stated): gnomAD exomes below 0.00001; TOPMed below 0.00001; gnomAD 0.00001.
gnomAD v4.1: 2 of 1,614,032 alleles (0.00012%); highest among the groups gnomAD compares: African/African-American, 0.0013%; no homozygotes.

Submission:

Ambry Genetics
Classification: Uncertain significance for Inborn genetic diseases. Last evaluated: 2024-12-12. Review status: criteria provided, single submitter. Criteria: Ambry Variant Classification Scheme 2023. Collection method: clinical testing. Allele origin: germline.
Comment: The p.L220P variant (also known as c.659T>C), located in coding exon 6 of the PAX5 gene, results from a T to C substitution at nucleotide position 659. The leucine at codon 220 is replaced by proline, an amino acid with similar properties. This amino acid position is conserved. In addition, this alteration is predicted to be deleterious by in silico analysis. Based on the available evidence, the clinical significance of this variant remains unclear.